The following is an entry in ClinVar:

ClinVar aggregate classification (germline): Uncertain significance. Review status: criteria provided, multiple submitters, no conflicts (2 of 4 stars). 2 submissions from 2 submitters: Uncertain significance (2). Last evaluated 2024-04-24.

Allele frequency attached by ClinVar (database versions not stated): gnomAD exomes 0.00001; ExAC 0.00002; gnomAD 0.00003; 1000 Genomes Project 30x 0.00016; 1000 Genomes Project 0.00020.
gnomAD v4.1: 25 of 1,613,798 alleles (0.0015%); highest among the groups gnomAD compares: South Asian, 0.019%; no homozygotes.

Submissions (2):

Labcorp Genetics (formerly Invitae), Labcorp
Classification: Uncertain significance. Last evaluated: 2024-04-24. Review status: criteria provided, single submitter. Criteria: Invitae Variant Classification Sherloc (09022015). Collection method: clinical testing. Allele origin: germline.
Comment: This sequence change replaces valine, which is neutral and non-polar, with methionine, which is neutral and non-polar, at codon 845 of the CLCN6 protein (p.Val845Met). This variant is present in population databases (rs544177954, gnomAD 0.02%). This variant has not been reported in the literature in individuals affected with CLCN6-related conditions. ClinVar contains an entry for this variant (Variation ID: 1936301). An algorithm developed to predict the effect of missense changes on protein structure and function (PolyPhen-2) suggests that this variant is likely to be disruptive. In summary, the available evidence is currently insufficient to determine the role of this variant in disease. Therefore, it has been classified as a Variant of Uncertain Significance.

Ambry Genetics
Classification: Uncertain significance. Last evaluated: 2022-07-27. Review status: criteria provided, single submitter. Criteria: Ambry Variant Classification Scheme 2023. Collection method: clinical testing. Allele origin: germline.

NM_001286.5(CLCN6):c.2533G>A (p.Val845Met)

Gene: CLCN6 (chloride voltage-gated channel 6; plus strand). Cytogenetic location: 1p36.22.
Variant type: single nucleotide variant.
Coding change: c.2533G>A on transcript NM_001286.5 (MANE Select); coding-DNA position 2533, G replaced by A.
Protein change: p.Val845Met; replaces valine 845 with methionine.
Molecular consequence: missense variant. On other transcripts: non-coding transcript variant (1).
Genome position (GRCh38, 1-based): chr1:11,840,146, G>A. VCF-style: chr1-11840146-G-A. GRCh37 (hg19) VCF-style: chr1-11900203-G-A.
Other names: c.2467G>A, p.Val823Met (NM_001256959.2); short protein forms V823M, V845M.
Identifiers: ClinVar variation 1936301 (VCV001936301.6), dbSNP rs544177954, ClinGen allele CA596952.